The following is an entry in ClinVar:

NM_002693.3(POLG):c.2641C>T (p.Pro881Ser)

Gene: POLG (DNA polymerase gamma, catalytic subunit; minus strand). Cytogenetic location: 15q26.1.
Variant type: single nucleotide variant.
Coding change: c.2641C>T on transcript NM_002693.3 (MANE Select); coding-DNA position 2641, C replaced by T.
Protein change: p.Pro881Ser; replaces proline 881 with serine.
Molecular consequence: missense variant.
Genome position (GRCh38, 1-based): chr15:89,321,218, G>A on the plus strand (C>T on the coding strand, the complement: POLG is on the minus strand). VCF-style: chr15-89321218-G-A. GRCh37 (hg19) VCF-style: chr15-89864449-G-A.
Other names: c.2641C>T, p.Pro881Ser (NM_001126131.2); short protein forms P881S.
Identifiers: ClinVar variation 1943985 (VCV001943985.4), dbSNP rs750613708, ClinGen allele CA7724389.
Genomic context (GRCh38, chr15:89,321,218, plus strand): 5'-CAGCTGCAATCCACAGCTCTTGGGAGTCCACATCAGCACCCACAAGGGTGTAGCCAGGTG[G>A]GGCCTGCACCATGGCTTTCAACTCACTGCCTACTCGGTCAGGCTGTGGGAAGAGTGAGAT-3'
Protein context (NP_002684.1, residues 871-891): GSELKAMVQA[Pro881Ser]PGYTLVGADV

ClinVar aggregate classification (germline): Uncertain significance. Review status: criteria provided, multiple submitters, no conflicts (2 of 4 stars). 3 submissions from 3 submitters: Uncertain significance (3). Last evaluated 2025-07-11.

Conditions:
Inborn genetic diseases. Identifiers: MedGen C0950123, MeSH D030342.
Progressive sclerosing poliodystrophy (MTDPS4A). Also called: Mitochondrial DNA Depletion Syndrome 4A; ALPERS PROGRESSIVE INFANTILE POLIODYSTROPHY; NEURONAL DEGENERATION OF CHILDHOOD WITH LIVER DISEASE, PROGRESSIVE; Mitochondrial DNA depletion syndrome 4A (Alpers type); Alpers-Huttenlocher Syndrome (AHS); Alpers Syndrome. Identifiers: Orphanet 726, MedGen C0205710, MONDO:0008758, OMIM 203700.

Allele frequency attached by ClinVar (database versions not stated): gnomAD exomes 0.00001; ExAC 0.00004.
gnomAD v4.1: 20 of 1,614,134 alleles (0.0012%); highest among the groups gnomAD compares: South Asian, 0.021%; no homozygotes.

Submissions (3):

GeneDx
Classification: Uncertain significance. Last evaluated: 2025-07-11. Review status: criteria provided, single submitter. Criteria: GeneDx Variant Classification Process June 2021. Collection method: clinical testing. Allele origin: germline. Affected: yes.
Comment: In silico analysis supports that this missense variant has a deleterious effect on protein structure/function; Has not been previously published as pathogenic or benign to our knowledge

Ambry Genetics
Classification: Uncertain significance for Inborn genetic diseases. Last evaluated: 2025-04-25. Review status: criteria provided, single submitter. Criteria: Ambry Variant Classification Scheme 2023. Collection method: clinical testing. Allele origin: germline.

Labcorp Genetics (formerly Invitae), Labcorp
Classification: Uncertain significance for Progressive sclerosing poliodystrophy. Last evaluated: 2022-07-21. Review status: criteria provided, single submitter. Criteria: Invitae Variant Classification Sherloc (09022015). Collection method: clinical testing. Allele origin: germline.
Comment: This sequence change replaces proline, which is neutral and non-polar, with serine, which is neutral and polar, at codon 881 of the POLG protein (p.Pro881Ser). This variant is present in population databases (rs750613708, gnomAD 0.03%). This variant has not been reported in the literature in individuals affected with POLG-related conditions. Algorithms developed to predict the effect of missense changes on protein structure and function (SIFT, PolyPhen-2, Align-GVGD) all suggest that this variant is likely to be disruptive. In summary, the available evidence is currently insufficient to determine the role of this variant in disease. Therefore, it has been classified as a Variant of Uncertain Significance.